The following is an entry in ClinVar:

ClinVar aggregate classification (germline): Likely benign (1 of 4 stars; one submission).

Submission:

GeneDx
Classification: Likely benign. Last evaluated: 2018-02-02. Review status: criteria provided, single submitter. Criteria: GeneDx Variant Classification (06012015). Collection method: clinical testing. Allele origin: germline. Affected: yes.
Comment: This variant is considered likely benign or benign based on one or more of the following criteria: it is a conservative change, it occurs at a poorly conserved position in the protein, it is predicted to be benign by multiple in silico algorithms, and/or has population frequency not consistent with disease.

NM_001267550.2(TTN):c.62918C>T (p.Thr20973Ile)

Genes: TTN (titin; minus strand), TTN-AS1 (TTN antisense RNA 1; plus strand). Cytogenetic location: 2q31.2.
Variant type: single nucleotide variant.
Coding change: c.62918C>T on transcript NM_001267550.2 (MANE Select); coding-DNA position 62918, C replaced by T.
Protein change: p.Thr20973Ile; replaces threonine 20973 with isoleucine.
Molecular consequence: missense variant.
Genome position (GRCh38, 1-based): chr2:178,588,807, G>A on the plus strand (C>T on the coding strand, the complement: TTN is on the minus strand). VCF-style: chr2-178588807-G-A. GRCh37 (hg19) VCF-style: chr2-179453534-G-A.
Other names: c.57995C>T, p.Thr19332Ile (NM_001256850.1); c.35723C>T, p.Thr11908Ile (NM_003319.4); c.55214C>T, p.Thr18405Ile (NM_133378.4); c.36098C>T, p.Thr12033Ile (NM_133432.3); c.36299C>T, p.Thr12100Ile (NM_133437.4); short protein forms T19332I, T20973I, T11908I, T12100I, T12033I, T18405I.
Identifiers: ClinVar variation 515283 (VCV000515283.1), dbSNP rs1553639678, ClinGen allele CA349459026.